The following is an entry in ClinVar:

NM_007294.4(BRCA1):c.81-20C>T

Gene: BRCA1 (BRCA1 DNA repair associated; minus strand). Cytogenetic location: 17q21.31.
Variant type: single nucleotide variant.
Coding change: c.81-20C>T on transcript NM_007294.4 (MANE Select); 20 bases into the intron before coding-DNA position 81, C replaced by T.
Molecular consequence: intron variant.
Genome position (GRCh38, 1-based): chr17:43,115,799, G>A on the plus strand (C>T on the coding strand, the complement: BRCA1 is on the minus strand). VCF-style: chr17-43115799-G-A. GRCh37 (hg19) VCF-style: chr17-41267816-G-A.
Other names: IVS2-20C>T; c.81-20C>T (NM_001408399.1, NM_001407984.1, NM_001407645.1 and 191 more transcripts); c.-339-20C>T (NM_001407965.1); c.-177-20C>T (NM_001407930.1, NM_001407843.1, NM_001408456.1 and 13 more transcripts); c.-181-20C>T (NM_001408465.1, NM_001407695.1); c.-108-20C>T (NM_001408482.1, NM_001407954.1, NM_001407896.1 and 52 more transcripts); c.-61-20C>T (NM_001407920.1, NM_001408504.1, NM_001408463.1 and 47 more transcripts); c.-8+5759C>T (NM_001407751.1, NM_001407726.1); and 11 more.
Identifiers: ClinVar variation 125525 (VCV000125525.19), dbSNP rs80358039, ClinGen allele CA003909.

ClinVar aggregate classification (germline): Benign/Likely benign. Review status: criteria provided, multiple submitters, no conflicts (2 of 4 stars). 5 submissions from 5 submitters: Benign (1); Likely benign (2). 2 of the submissions do not count toward it. Last evaluated 2025-09-20.

Conditions:
Hereditary breast ovarian cancer syndrome. Also called: Hereditary breast and/or ovarian cancer syndrome; Breast and ovarian cancer; Hereditary breast and ovarian cancer syndrome; Hereditary breast and ovarian cancer; Hereditary breast and ovarian cancer syndrome (HBOC); BRCA1- and BRCA2-Associated Hereditary Breast and Ovarian Cancer. Identifiers: Orphanet 145, MedGen C0677776, MeSH D061325, MONDO:0003582. Disease mechanism: loss of function.
Breast-ovarian cancer, familial, susceptibility to, 1 (BROVCA1). Also called: BRCA1 Hereditary Breast and Ovarian Cancer; OVARIAN CANCER, SUSCEPTIBILITY TO. Identifiers: Orphanet 145, MedGen C2676676, MONDO:0011450, OMIM 604370. Disease mechanism: loss of function.

Allele frequency attached by ClinVar (database versions not stated): gnomAD exomes below 0.00001.

Submissions (6):

Labcorp Genetics (formerly Invitae), Labcorp
Classification: Likely benign for Hereditary breast ovarian cancer syndrome. Last evaluated: 2025-09-20. Review status: criteria provided, single submitter. Criteria: Invitae Variant Classification Sherloc (09022015). Collection method: clinical testing. Allele origin: germline.

Women's Health and Genetics/Laboratory Corporation of America, LabCorp
Classification: Likely benign. Last evaluated: 2024-12-17. Review status: criteria provided, single submitter. Criteria: LabCorp Variant Classification Summary - May 2015. Collection method: clinical testing. Allele origin: germline.
Comment: Variant summary: BRCA1 c.81-20C>T alters a non-conserved nucleotide located at a position not widely known to affect splicing. The variant allele was found at a frequency of 4.1e-06 in 242630 control chromosomes. The available data on variant occurrences in the general population are insufficient to allow any conclusion about variant significance. c.81-20C>T has been reported in the literature in individuals affected with Hereditary Breast And Ovarian Cancer Syndrome. These report(s) do not provide unequivocal conclusions about association of the variant with Hereditary Breast And Ovarian Cancer Syndrome. At least one functional study reports experimental evidence evaluating an impact on protein function and showed no damaging effect of this variant on homology directed repair (HDR) activity (e.g. Findlay_2018). HDR assays qualify as a recognized gold standard on the basis of updated guidance provided by the ClinGen Sequence Variant Interpretation (SVI) working group. ClinVar contains an entry for this variant (Variation ID: 125525). Based on the evidence outlined above, the variant was classified as likely benign.

Myriad Genetics, Inc.
Classification: Benign for Breast-ovarian cancer, familial, susceptibility to, 1. Last evaluated: 2023-11-06. Review status: criteria provided, single submitter. Criteria: Myriad Autosomal Dominant, Autosomal Recessive and X-Linked Classification Criteria (2023). Collection method: clinical testing. Allele origin: unknown.
Comment: This variant is considered benign. This variant is strongly associated with less severe personal and family histories of cancer, typical for individuals without pathogenic variants in this gene [PMID: 25085752].

Counsyl
Classification: Likely benign for Breast-ovarian cancer, familial, susceptibility to, 1. Last evaluated: 2017-07-18. Review status: no assertion criteria provided. Collection method: clinical testing. Allele origin: unknown. Not counted in ClinVar's aggregate classification.

Breast Cancer Information Core (BIC) (BRCA1)
Classification: Uncertain significance for Breast-ovarian cancer, familial 1. Last evaluated: 2003-12-23. Review status: no assertion criteria provided. Collection method: clinical testing. Allele origin: germline. Affected: yes. Observed: 1 variant allele. Not counted in ClinVar's aggregate classification.

Brotman Baty Institute, University of Washington
No classification provided (evidence only). Condition: Breast-ovarian cancer, familial 1. Review status: no classification provided. Collection method: in vitro. Allele origin: not applicable. Functional consequence: functionally_normal. Not counted in ClinVar's aggregate classification.
ClinVar note: "not provided" was previously submitted as the classification for the variant. However, the classification appeared to be based only on an observation of functional data so it was converted to no classification on 2025-07-30.

Literature cited by the submitters: PubMed 16267036 (cited by Women's Health and Genetics/Laboratory Corporation of America, LabCorp); PubMed 21394826 (cited by Women's Health and Genetics/Laboratory Corporation of America, LabCorp and Counsyl); PubMed 30209399 (cited by Women's Health and Genetics/Laboratory Corporation of America, LabCorp); PubMed 25085752 (cited by Myriad Genetics, Inc.).